The following is an entry in ClinVar:

ClinVar aggregate classification (germline): Uncertain significance (0 of 4 stars; one submission).

Conditions:
TGFB2-related disorder. Also called: TGFB2-related condition.

Allele frequency attached by ClinVar (database versions not stated): gnomAD 0.00001.
gnomAD v4.1: 2 of 1,614,026 alleles (0.00012%); highest among the groups gnomAD compares: African/African-American, 0.0027%; no homozygotes.

Submission:

PreventionGenetics, part of Exact Sciences
Classification: Uncertain significance for TGFB2-related condition. Last evaluated: 2023-11-16. Review status: no assertion criteria provided. Collection method: clinical testing. Allele origin: germline.
Comment: The TGFB2 c.816A>C variant is predicted to result in the amino acid substitution p.Lys272Asn. To our knowledge, this variant has not been reported in the literature. This variant is reported in 0.0062% of alleles in individuals of African descent in gnomAD. At this time, the clinical significance of this variant is uncertain due to the absence of conclusive functional and genetic evidence.

NM_003238.6(TGFB2):c.816A>C (p.Lys272Asn)

Gene: TGFB2 (transforming growth factor beta 2; plus strand). Cytogenetic location: 1q41.
Variant type: single nucleotide variant.
Coding change: c.816A>C on transcript NM_003238.6 (MANE Select); coding-DNA position 816, A replaced by C.
Protein change: p.Lys272Asn; replaces lysine 272 with asparagine.
Molecular consequence: missense variant.
Genome position (GRCh38, 1-based): chr1:218,436,031, A>C. VCF-style: chr1-218436031-A-C. GRCh37 (hg19) VCF-style: chr1-218609373-A-C.
Other names: c.900A>C, p.Lys300Asn (NM_001135599.4); short protein forms K272N, K300N.
Identifiers: ClinVar variation 3052766 (VCV003052766.2), dbSNP rs1415933135, ClinGen allele CA344727121.